The following is an entry in ClinVar:

ClinVar aggregate classification (germline): Uncertain significance. Review status: criteria provided, multiple submitters, no conflicts (2 of 4 stars). 8 submissions from 8 submitters: Uncertain significance (5). 3 of the submissions do not count toward it. Last evaluated 2026-01-25.

Conditions:
Cardiovascular phenotype. Identifiers: MedGen CN230736.
Catecholaminergic polymorphic ventricular tachycardia (CVPT). Also called: Catecholamine-induced polymorphic ventricular tachycardia. Identifiers: Orphanet 3286, MedGen C5574922, MONDO:0017990.
Polymorphic ventricular tachycardia. Identifiers: MedGen C0344432, MONDO:0020575, HP:0031677.
Cardiomyopathy (CMYO). Also called: Cardiomyopathies. Identifiers: Orphanet 167848, MedGen C0878544, MONDO:0004994, HP:0001638. Inheritance: Various modes of inheritance.
Catecholaminergic polymorphic ventricular tachycardia 1. Also called: VENTRICULAR TACHYCARDIA, CATECHOLAMINERGIC POLYMORPHIC, 1, WITH OR WITHOUT ATRIAL DYSFUNCTION AND/OR DILATED CARDIOMYOPATHY; RYR2-Related Catecholaminergic Polymorphic Ventricular Tachycardia; VENTRICULAR TACHYCARDIA, STRESS-INDUCED POLYMORPHIC 1. Identifiers: Orphanet 3286, MedGen C1631597, MONDO:0011484, OMIM 604772.

Allele frequency attached by ClinVar (database versions not stated): ExAC 0.00003; gnomAD 0.00003; gnomAD exomes 0.00004; TOPMed 0.00006; ESP Exome Variant Server 0.00008; 1000 Genomes Project 30x 0.00016; 1000 Genomes Project 0.00020.
gnomAD v4.1: 21 of 1,613,644 alleles (0.0013%); highest among the groups gnomAD compares: South Asian, 0.0033%; no homozygotes.

Submissions (8):

Labcorp Genetics (formerly Invitae), Labcorp
Classification: Uncertain significance for Catecholaminergic polymorphic ventricular tachycardia 1. Last evaluated: 2026-01-25. Review status: criteria provided, single submitter. Criteria: Invitae Variant Classification Sherloc (09022015). Collection method: clinical testing. Allele origin: germline.
Comment: This sequence change replaces alanine, which is neutral and non-polar, with threonine, which is neutral and polar, at codon 4556 of the RYR2 protein (p.Ala4556Thr). This variant is present in population databases (rs189345192, gnomAD 0.007%). This missense change has been observed in individual(s) with catecholaminergic polymorphic ventricular tachycardia and/or clinical features of long QT syndrome (PMID: 16188589, 23671135). ClinVar contains an entry for this variant (Variation ID: 161384). Invitae Evidence Modeling of protein sequence and biophysical properties (such as structural, functional, and spatial information, amino acid conservation, physicochemical variation, residue mobility, and thermodynamic stability) indicates that this missense variant is not expected to disrupt RYR2 protein function with a negative predictive value of 95%. In summary, the available evidence is currently insufficient to determine the role of this variant in disease. Therefore, it has been classified as a Variant of Uncertain Significance.

Color Diagnostics, LLC DBA Color Health
Classification: Uncertain significance for Cardiomyopathy. Last evaluated: 2025-05-27. Review status: criteria provided, single submitter. Criteria: ACMG Guidelines, 2015. Collection method: clinical testing. Allele origin: germline.
Comment: This missense variant replaces alanine with threonine at codon 4556 of the RYR2 protein. Computational prediction suggests that this variant may not impact protein structure and function. A functional study has shown that the variant does not affect Ca2+ channel function (Maxwell 2013, (12)03694-6.pdf). This variant has been reported in an individual affected with long QT syndrome (PMID: 16188589) and in an individual affected with catecholaminergic polymorphic ventricular tachycardia (PMID: 23671135). This variant has been identified in 10/280090 chromosomes in the general population by the Genome Aggregation Database (gnomAD). The available evidence is insufficient to determine the role of this variant in disease conclusively. Therefore, this variant is classified as a Variant of Uncertain Significance.

Ambry Genetics
Classification: Uncertain significance for Cardiovascular phenotype. Last evaluated: 2024-05-28. Review status: criteria provided, single submitter. Criteria: Ambry Variant Classification Scheme 2023. Collection method: clinical testing. Allele origin: germline.
Comment: The p.A4556T variant (also known as c.13666G>A), located in coding exon 94 of the RYR2 gene, results from a G to A substitution at nucleotide position 13666. The alanine at codon 4556 is replaced by threonine, an amino acid with similar properties. This variant has been detected in a cohort referred for arrhythmia genetic testing; however, details were limited (Tester DJ et al. Heart Rhythm, 2005 Oct;2:1099-105), and has also been detected in a family reported to have catecholaminergic polymorphic ventricular tachycardia (Papadakis M et al. Circ Arrhythm Electrophysiol, 2013 Jun;6:588-96). This amino acid position is not well conserved in available vertebrate species. In addition, the in silico prediction for this alteration is inconclusive. Since supporting evidence is limited at this time, the clinical significance of this alteration remains unclear.

All of Us Research Program, National Institutes of Health
Classification: Uncertain significance for Catecholaminergic polymorphic ventricular tachycardia. Last evaluated: 2023-12-01. Review status: criteria provided, single submitter. Criteria: ACMG Guidelines, 2015. Collection method: clinical testing. Allele origin: germline. Inheritance: Autosomal dominant inheritance. Observed: 7 variant alleles, 7 heterozygotes.
Comment: This missense variant replaces alanine with threonine at codon 4556 of the RYR2 protein. Computational prediction suggests that this variant may not impact protein structure and function (internally defined REVEL score threshold <= 0.5, PMID: 27666373). A functional study has shown that the mutant protein carrying this variant exhibits similar Ca2+ dependence to wild-type channels (Maxwell 2014). This variant has been reported in individuals affected with catecholaminergic polymorphic ventricular tachycardia (PMID: 23671135) and long QT syndrome (PMID: 16188589). This variant has been identified in 10/280090 chromosomes in the general population by the Genome Aggregation Database (gnomAD). The available evidence is insufficient to determine the role of this variant in disease conclusively. Therefore, this variant is classified as a Variant of Uncertain Significance.

This study involves interpretation of variants in research participants for the purpose of population health screening. Participant phenotype was not available at the time of variant classification. Additional details can be found in publication PMID: 35346344, PMCID: PMC8962531

ARUP Laboratories, Molecular Genetics and Genomics, ARUP Laboratories
Classification: Uncertain significance. Last evaluated: 2018-03-25. Review status: criteria provided, single submitter. Criteria: ARUP Molecular Germline Variant Investigation Process. Collection method: clinical testing. Allele origin: germline.
Comment: The RYR2 c.13666G>A; p.Ala4556Thr variant (rs189345192, ClinVar variant ID 161384), to our knowledge, is not reported in the medical literature, gene specific variation databases, nor has it been previously identified by our laboratory. This variant is listed in the genome Aggregation Database (gnomAD) with an overall population frequency of 0.004% (identified on 11 out of 276,638 chromosomes). The alanine at position 4556 is moderately conserved, considering 10 species, and computational analyses of the effects of the p.Ala4556Thr variant on protein structure and function do not predict a deleterious effect (SIFT: tolerated, PolyPhen-2: benign). Based on the available information, the clinical significance of the p.Ala4556Thr variant cannot be determined with certainty.

CSER _CC_NCGL, University of Washington
Classification: Uncertain significance for Ventricular tachycardia, polymorphic. Last evaluated: 2014-06-01. Review status: no assertion criteria provided. Collection method: research. Allele origin: germline. Inheritance: Autosomal dominant inheritance. Study: ESP 6500 variant annotation. Not counted in ClinVar's aggregate classification.
Comment: Variants classified for the Actionable exomic incidental findings in 6503 participants: challenges of variant classification manuscript

Clinical Genetics DNA and cytogenetics Diagnostics Lab, Erasmus MC, Erasmus Medical Center
Classification: Likely benign. Review status: no assertion criteria provided. Collection method: clinical testing. Allele origin: germline. Affected: yes. Study: VKGL Data-share Consensus. Not counted in ClinVar's aggregate classification.

Diagnostic Laboratory, Department of Genetics, University Medical Center Groningen
Classification: Likely benign. Review status: no assertion criteria provided. Collection method: clinical testing. Allele origin: germline. Affected: yes. Study: VKGL Data-share Consensus. Not counted in ClinVar's aggregate classification.

Literature cited by the submitters: PubMed 16188589 (cited by 4 submitters); PubMed 23671135 (cited by 4 submitters); PubMed 24025405 (cited by Ambry Genetics); PubMed 25637381 (cited by Ambry Genetics); PubMed 26332594 (cited by Ambry Genetics); PubMed 28798025 (cited by Ambry Genetics).

NM_001035.3(RYR2):c.13666G>A (p.Ala4556Thr)

Gene: RYR2 (ryanodine receptor 2; plus strand). Cytogenetic location: 1q43.
Variant type: single nucleotide variant.
Coding change: c.13666G>A on transcript NM_001035.3 (MANE Select); coding-DNA position 13666, G replaced by A.
Protein change: p.Ala4556Thr; replaces alanine 4556 with threonine.
Molecular consequence: missense variant.
Genome position (GRCh38, 1-based): chr1:237,792,207, G>A. VCF-style: chr1-237792207-G-A. GRCh37 (hg19) VCF-style: chr1-237955507-G-A.
Other names: c.13666G>A, p.Ala4556Thr (LRG_402t1); short protein forms A4556T.
Identifiers: ClinVar variation 161384 (VCV000161384.25), dbSNP rs189345192, ClinGen allele CA008004.